The following is an entry in ClinVar:

ClinVar aggregate classification (germline): Conflicting classifications of pathogenicity. Review status: criteria provided, conflicting classifications (1 of 4 stars). 2 submissions from 2 submitters: Uncertain significance (1); Likely benign (1). Last evaluated 2024-05-16.

Conditions:
Cardiovascular phenotype. Identifiers: MedGen CN230736.
Long QT syndrome 1 (LQT1). Identifiers: Orphanet 101016, Orphanet 768, MedGen C4551647, MONDO:0100316, OMIM 192500, MONDO:0008646.

Submissions (2):

Ambry Genetics
Classification: Likely benign for Cardiovascular phenotype. Last evaluated: 2024-05-16. Review status: criteria provided, single submitter. Criteria: Ambry Variant Classification Scheme 2023. Collection method: clinical testing. Allele origin: germline.

Labcorp Genetics (formerly Invitae), Labcorp
Classification: Uncertain significance for Long QT syndrome 1. Last evaluated: 2024-05-04. Review status: criteria provided, single submitter. Criteria: Invitae Variant Classification Sherloc (09022015). Collection method: clinical testing. Allele origin: germline.
Comment: This sequence change replaces aspartic acid, which is acidic and polar, with asparagine, which is neutral and polar, at codon 3 of the CALM2 protein (p.Asp3Asn). This variant is not present in population databases (gnomAD no frequency). This variant has not been reported in the literature in individuals affected with CALM2-related conditions. An algorithm developed to predict the effect of missense changes on protein structure and function (PolyPhen-2) suggests that this variant is likely to be tolerated. In summary, the available evidence is currently insufficient to determine the role of this variant in disease. Therefore, it has been classified as a Variant of Uncertain Significance.

NM_001743.6(CALM2):c.7G>A (p.Asp3Asn)

Gene: CALM2 (calmodulin 2; minus strand). Cytogenetic location: 2p21.
Variant type: single nucleotide variant.
Coding change: c.7G>A on transcript NM_001743.6 (MANE Select); coding-DNA position 7, G replaced by A.
Protein change: p.Asp3Asn; replaces aspartic acid 3 with asparagine.
Molecular consequence: missense variant. On other transcripts: 5 prime UTR variant (2).
Genome position (GRCh38, 1-based): chr2:47,170,761, C>T on the plus strand (G>A on the coding strand, the complement: CALM2 is on the minus strand). VCF-style: chr2-47170761-C-T. GRCh37 (hg19) VCF-style: chr2-47397900-C-T.
Other names: c.151G>A, p.Asp51Asn (NM_001305624.1); c.-102G>A (NM_001305625.2, NM_001305626.1); short protein forms D3N, D51N.
Identifiers: ClinVar variation 3262981 (VCV003262981.3).